The following is an entry in ClinVar:

ClinVar aggregate classification (germline): Uncertain significance (1 of 4 stars; one submission).

Conditions:
Deafness-lymphedema-leukemia syndrome. Also called: Emberger syndrome; Lymphedema, primary, with myelodysplasia. Identifiers: Orphanet 3226, MedGen C3279664, MONDO:0013540, OMIM 614038.
Monocytopenia with susceptibility to infections. Also called: IMMUNODEFICIENCY 21; GATA2 DEFICIENCY; MONOCYTOPENIA AND MYCOBACTERIAL INFECTION SYNDROME; MONOCYTOPENIA WITH SUSCEPTIBILITY TO MYCOBACTERIAL, FUNGAL, AND PAPILLOMAVIRUS INFECTIONS AND MYELODYSPLASIA; COMBINED IMMUNODEFICIENCY WITH SUSCEPTIBILITY TO MYCOBACTERIAL, VIRAL, AND FUNGAL INFECTIONS; Dendritic cell, monocyte, B lymphocyte, and natural killer lymphocyte deficiency. Identifiers: Orphanet 228423, MedGen C3280030, MONDO:0013607, OMIM 614172.

Submission:

Labcorp Genetics (formerly Invitae), Labcorp
Classification: Uncertain significance for Monocytopenia with susceptibility to infections; Deafness-lymphedema-leukemia syndrome. Last evaluated: 2021-03-16. Review status: criteria provided, single submitter. Criteria: Invitae Variant Classification Sherloc (09022015). Collection method: clinical testing. Allele origin: germline.
Comment: In summary, the available evidence is currently insufficient to determine the role of this variant in disease. Therefore, it has been classified as a Variant of Uncertain Significance. Algorithms developed to predict the effect of missense changes on protein structure and function (SIFT, PolyPhen-2, Align-GVGD) all suggest that this variant is likely to be tolerated, but these predictions have not been confirmed by published functional studies and their clinical significance is uncertain. This variant has not been reported in the literature in individuals with GATA2-related conditions. This variant is not present in population databases (ExAC no frequency). This sequence change replaces glutamic acid with glycine at codon 180 of the GATA2 protein (p.Glu180Gly). The glutamic acid residue is weakly conserved and there is a moderate physicochemical difference between glutamic acid and glycine.

NM_032638.5(GATA2):c.539A>G (p.Glu180Gly)

Gene: GATA2 (GATA binding protein 2; minus strand). Cytogenetic location: 3q21.3.
Variant type: single nucleotide variant.
Coding change: c.539A>G on transcript NM_032638.5 (MANE Select); coding-DNA position 539, A replaced by G.
Protein change: p.Glu180Gly; replaces glutamic acid 180 with glycine.
Molecular consequence: missense variant.
Genome position (GRCh38, 1-based): chr3:128,486,059, T>C on the plus strand (A>G on the coding strand, the complement: GATA2 is on the minus strand). VCF-style: chr3-128486059-T-C. GRCh37 (hg19) VCF-style: chr3-128204902-T-C.
Other names: c.539A>G, p.Glu180Gly (NM_001145661.2, NM_001145662.1); short protein forms E180G.
Identifiers: ClinVar variation 948636 (VCV000948636.9), dbSNP rs1028518743, ClinGen allele CA354406558.